The following is an entry in ClinVar:

ClinVar aggregate classification (germline): Benign/Likely benign. Review status: criteria provided, multiple submitters, no conflicts (2 of 4 stars). 4 submissions from 4 submitters: Benign (2); Likely benign (2). Last evaluated 2026-06-01.

Conditions:
SLC26A1-related disorder. Also called: SLC26A1-related condition.

Allele frequency attached by ClinVar (database versions not stated): gnomAD exomes 0.00098; ExAC 0.00102; ESP Exome Variant Server 0.00138; 1000 Genomes Project 0.00160; 1000 Genomes Project 30x 0.00187; gnomAD 0.00198 and 0.00217; TOPMed 0.00287.
gnomAD v4.1: 1,106 of 1,612,824 alleles (0.069%); highest among the groups gnomAD compares: African/African-American, 0.45%; 5 homozygotes.

Submissions (4):

CeGaT Center for Human Genetics Tuebingen
Classification: Likely benign. Last evaluated: 2026-06-01. Review status: criteria provided, single submitter. Criteria: CeGaT Center For Human Genetics Tuebingen Variant Classification Criteria Version 2. Collection method: clinical testing. Allele origin: germline. Affected: yes. Observed: 1 variant allele.
Comment: SLC26A1: BP4, BP7

Labcorp Genetics (formerly Invitae), Labcorp
Classification: Benign. Last evaluated: 2025-11-19. Review status: criteria provided, single submitter. Criteria: Invitae Variant Classification Sherloc (09022015). Collection method: clinical testing. Allele origin: germline.

PreventionGenetics, part of Exact Sciences
Classification: Likely benign for SLC26A1-related condition. Last evaluated: 2025-03-13. Review status: criteria provided, single submitter. Criteria: ACMG Guidelines, 2015. Collection method: clinical testing. Allele origin: germline.
Comment: This variant is classified as likely benign based on ACMG/AMP sequence variant interpretation guidelines (Richards et al. 2015 PMID: 25741868, with internal and published modifications).

Breakthrough Genomics
Classification: Benign. Review status: criteria provided, single submitter. Criteria: ACMG Guidelines, 2015. Collection method: not provided. Allele origin: germline. Inheritance: Autosomal recessive inheritance. Affected: yes.

NM_022042.4(SLC26A1):c.279G>T (p.Leu93=)

Genes: IDUA (alpha-L-iduronidase; plus strand), SLC26A1 (solute carrier family 26 member 1; minus strand). Cytogenetic location: 4p16.3.
Variant type: single nucleotide variant.
Coding change: c.279G>T on transcript NM_022042.4 (MANE Select); coding-DNA position 279, G replaced by T.
Protein change: p.Leu93=; no amino-acid change (leucine 93 retained).
Molecular consequence: synonymous variant. On other transcripts: intron variant (1).
Genome position (GRCh38, 1-based): chr4:991,425, C>A on the plus strand (G>T on the coding strand, the complement: SLC26A1 is on the minus strand). VCF-style: chr4-991425-C-A. GRCh37 (hg19) VCF-style: chr4-985213-C-A.
Other names: c.279G>T (NM_022042.3); c.279G>T, p.Leu93= (NM_134425.4, NM_213613.4); c.299+3476C>A (NM_000203.5).
Identifiers: ClinVar variation 722363 (VCV000722363.14), dbSNP rs142651185, ClinGen allele CA2801723.